The following is an entry in ClinVar:

NM_001040142.2(SCN2A):c.4868C>A (p.Thr1623Asn)

Gene: SCN2A (sodium voltage-gated channel alpha subunit 2; plus strand). Cytogenetic location: 2q24.3.
Variant type: single nucleotide variant.
Coding change: c.4868C>A on transcript NM_001040142.2 (MANE Select); coding-DNA position 4868, C replaced by A.
Protein change: p.Thr1623Asn; replaces threonine 1623 with asparagine.
Molecular consequence: missense variant.
Genome position (GRCh38, 1-based): chr2:165,388,674, C>A. VCF-style: chr2-165388674-C-A. GRCh37 (hg19) VCF-style: chr2-166245184-C-A.
Other names: c.4868C>A, p.Thr1623Asn (NM_001040143.2, NM_001371246.1, NM_001371247.1 and 1 more transcripts); short protein forms T1623N.
Identifiers: ClinVar variation 1497461 (VCV001497461.10), dbSNP rs1702001950, ClinGen allele CA349037646.

ClinVar aggregate classification (germline): Pathogenic (1 of 4 stars; one submission).

Conditions:
Developmental and epileptic encephalopathy, 11 (DEE11). Also called: Early infantile epileptic encephalopathy 11. Identifiers: Orphanet 1934, MedGen C3150987, MONDO:0013388, OMIM 613721.
Seizures, benign familial infantile, 3 (BFIS3). Also called: Familial neonatal seizures; CONVULSIONS, BENIGN FAMILIAL INFANTILE, 3. Identifiers: Orphanet 140927, Orphanet 306, MedGen C1843140, MONDO:0011904, OMIM 607745.

Submissions (2):

Labcorp Genetics (formerly Invitae), Labcorp
Classification: Pathogenic for Seizures, benign familial infantile, 3; Developmental and epileptic encephalopathy, 11. Last evaluated: 2022-01-15. Review status: criteria provided, single submitter. Criteria: Invitae Variant Classification Sherloc (09022015). Collection method: clinical testing. Allele origin: germline.
Comment: Algorithms developed to predict the effect of missense changes on protein structure and function are either unavailable or do not agree on the potential impact of this missense change (SIFT: "Deleterious"; PolyPhen-2: "Possibly Damaging"; Align-GVGD: "Class C0"). For these reasons, this variant has been classified as Pathogenic. Experimental studies have shown that this missense change affects SCN2A function (PMID: 31995133). This missense change has been observed in individual(s) with clinical features of SCN2A-related conditions (PMID: 23935176, 25849321). In at least one individual the variant was observed to be de novo. This variant is not present in population databases (gnomAD no frequency). This sequence change replaces threonine, which is neutral and polar, with asparagine, which is neutral and polar, at codon 1623 of the SCN2A protein (p.Thr1623Asn).

Channelopathy-Associated Epilepsy Research Center
No classification provided (evidence only). Condition: Complex neurodevelopmental disorder. Review status: no classification provided. Collection method: literature only. Allele origin: not applicable. Functional consequence: Normal voltage dependence of activation, Mild depolarizing shift of voltage dependence of fast inactivation, Normal slope of activation, Normal slope of fast inactivation, Normal rate of recovery from fast inactivation, Slowing of fast inactivation, Overall gain-of-function. Not counted in ClinVar's aggregate classification.
ClinVar note: "not provided" was previously submitted as the classification for the variant. However, the classification appeared to be based only on an observation of functional data so it was converted to no classification on 2025-07-30.

Literature cited by the submitters: PubMed 31995133 (cited by Labcorp Genetics (formerly Invitae), Labcorp and Channelopathy-Associated Epilepsy Research Center); PubMed 23935176 (cited by Labcorp Genetics (formerly Invitae), Labcorp); PubMed 25849321 (cited by Labcorp Genetics (formerly Invitae), Labcorp).